The following is an entry in ClinVar:

NM_005068.3(SIM1):c.729C>G (p.Ile243Met)

Gene: SIM1 (SIM bHLH transcription factor 1; minus strand). Cytogenetic location: 6q16.3.
Variant type: single nucleotide variant.
Coding change: c.729C>G on transcript NM_005068.3 (MANE Select); coding-DNA position 729, C replaced by G.
Protein change: p.Ile243Met; replaces isoleucine 243 with methionine.
Molecular consequence: missense variant.
Genome position (GRCh38, 1-based): chr6:100,448,493, G>C on the plus strand (C>G on the coding strand, the complement: SIM1 is on the minus strand). VCF-style: chr6-100448493-G-C. GRCh37 (hg19) VCF-style: chr6-100896369-G-C.
Other names: c.729C>G, p.Ile243Met (NM_001374769.1); short protein forms I243M.
Identifiers: ClinVar variation 3345575 (VCV003345575.1).

ClinVar aggregate classification (germline): Uncertain significance (0 of 4 stars; one submission).

Conditions:
SIM1-related disorder. Also called: SIM1-related condition; SIM1-related disorders.

Submission:

PreventionGenetics, part of Exact Sciences
Classification: Uncertain significance for SIM1-related condition. Last evaluated: 2024-08-27. Review status: no assertion criteria provided. Collection method: clinical testing. Allele origin: germline.
Comment: The SIM1 c.729C>G variant is predicted to result in the amino acid substitution p.Ile243Met. To our knowledge, this variant has not been reported in the literature or in a large population database, indicating this variant is rare. At this time, the clinical significance of this variant is uncertain due to the absence of conclusive functional and genetic evidence.